The following is an entry in ClinVar:

NM_144672.4(OTOA):c.306del (p.Gln102fs)

Gene: OTOA (otoancorin). Cytogenetic location: 16p12.2.
Variant type: Deletion.
Coding change: c.306del on transcript NM_144672.4 (MANE Select); coding-DNA position 306, one base deleted.
Protein change: p.Gln102fs; shifts the reading frame from glutamine 102.
Molecular consequence: frameshift variant.
Genome position: GRCh38 VCF-style: chr16-21685267-AG-A. GRCh37 (hg19) VCF-style: chr16-21696588-AG-A.
Other names: c.69del, p.Gln23fs (NM_001161683.2); short protein forms Q102fs, Q23fs.
Identifiers: ClinVar variation 2092615 (VCV002092615.4), dbSNP rs745649295, ClinGen allele CA7952269.
Genomic context (GRCh38, chr16:21,685,267, plus strand): 5'-CTCTCCCAACACCCCAAATACAGGCAGCCGTGGAAAACCACCTGGAGCAGCGTCTGCACC[AG>A]CCCCAGAAGCTGCTGGAGGACCTGAGGAAGACAGACGCCCAGCAGTTCCGCACTGCCATG-3'

ClinVar aggregate classification (germline): Pathogenic (1 of 4 stars; one submission).

Allele frequency attached by ClinVar (database versions not stated): gnomAD exomes below 0.00001; ExAC 0.00001; TOPMed 0.00001.

Submission:

Labcorp Genetics (formerly Invitae), Labcorp
Classification: Pathogenic. Last evaluated: 2022-02-03. Review status: criteria provided, single submitter. Criteria: Invitae Variant Classification Sherloc (09022015). Collection method: clinical testing. Allele origin: germline.
Comment: This variant has not been reported in the literature in individuals affected with OTOA-related conditions. This sequence change creates a premature translational stop signal (p.Gln102Hisfs*9) in the OTOA gene. It is expected to result in an absent or disrupted protein product. Loss-of-function variants in OTOA are known to be pathogenic (PMID: 11972037). This variant is present in population databases (rs745649295, gnomAD 0.006%). For these reasons, this variant has been classified as Pathogenic.

Literature cited by the submitters: PubMed 11972037.